The following is an entry in ClinVar:

NM_138713.4(NFAT5):c.3302A>G (p.Asn1101Ser)

Gene: NFAT5 (nuclear factor of activated T cells 5; plus strand). Cytogenetic location: 16q22.1.
Variant type: single nucleotide variant.
Coding change: c.3302A>G on transcript NM_138713.4 (MANE Select); coding-DNA position 3302, A replaced by G.
Protein change: p.Asn1101Ser; replaces asparagine 1101 with serine.
Molecular consequence: missense variant.
Genome position (GRCh38, 1-based): chr16:69,693,127, A>G. VCF-style: chr16-69693127-A-G. GRCh37 (hg19) VCF-style: chr16-69727030-A-G.
Other names: c.3299A>G, p.Asn1100Ser (NM_001113178.3); c.2627A>G, p.Asn876Ser (NM_001367709.1); c.3248A>G, p.Asn1083Ser (NM_006599.4); c.3020A>G, p.Asn1007Ser (NM_138714.4, NM_173214.3, NM_173215.3); short protein forms N1083S, N1100S, N1007S, N876S, N1101S.
Identifiers: ClinVar variation 1992211 (VCV001992211.4), dbSNP rs759115511, ClinGen allele CA8135884.
Genomic context (GRCh38, chr16:69,693,127, plus strand): 5'-AGTCTTCTCATTCACAGGCCCAACTTTTTCATCCTCAAAATCCTATTGCCGATGCTCAGA[A>G]CCTTTCCCAGGAAACTCAAGGTTCTCTCTTTCATAGTCCAAATCCTATTGTCCACAGTCA-3'
Protein context (NP_619727.2, residues 1091-1111): HPQNPIADAQ[Asn1101Ser]LSQETQGSLF

ClinVar aggregate classification (germline): Uncertain significance (1 of 4 stars; one submission).

Conditions:
Immunodeficiency. Identifiers: MedGen C0021051, MONDO:0021094, HP:0002721.

Allele frequency attached by ClinVar (database versions not stated): TOPMed below 0.00001; ExAC 0.00001; gnomAD 0.00001; gnomAD exomes 0.00003.
gnomAD v4.1: 38 of 1,613,900 alleles (0.0024%); highest among the groups gnomAD compares: South Asian, 0.034%; no homozygotes.

Submission:

Labcorp Genetics (formerly Invitae), Labcorp
Classification: Uncertain significance for Immunodeficiency. Last evaluated: 2024-04-27. Review status: criteria provided, single submitter. Criteria: Invitae Variant Classification Sherloc (09022015). Collection method: clinical testing. Allele origin: germline.
Comment: This sequence change replaces asparagine, which is neutral and polar, with serine, which is neutral and polar, at codon 1007 of the NFAT5 protein (p.Asn1007Ser). This variant is present in population databases (rs759115511, gnomAD 0.02%). This variant has not been reported in the literature in individuals affected with NFAT5-related conditions. ClinVar contains an entry for this variant (Variation ID: 1992211). An algorithm developed to predict the effect of missense changes on protein structure and function (PolyPhen-2) suggests that this variant is likely to be tolerated. In summary, the available evidence is currently insufficient to determine the role of this variant in disease. Therefore, it has been classified as a Variant of Uncertain Significance.